The following is an entry in ClinVar:

ClinVar aggregate classification (germline): Uncertain significance (1 of 4 stars; one submission).

Submission:

GeneDx
Classification: Uncertain significance. Last evaluated: 2025-04-08. Review status: criteria provided, single submitter. Criteria: GeneDx Variant Classification Process June 2021. Collection method: clinical testing. Allele origin: germline. Affected: yes.
Comment: Not observed at significant frequency in large population cohorts (gnomAD); In silico analysis indicates that this missense variant does not alter protein structure/function; Has not been previously published as pathogenic or benign to our knowledge

NM_001081550.2(THOC2):c.899A>C (p.Lys300Thr)

Gene: THOC2 (THO complex subunit 2; minus strand). Cytogenetic location: Xq25.
Variant type: single nucleotide variant.
Coding change: c.899A>C on transcript NM_001081550.2 (MANE Select); coding-DNA position 899, A replaced by C.
Protein change: p.Lys300Thr; replaces lysine 300 with threonine.
Molecular consequence: missense variant.
Genome position (GRCh38, 1-based): chrX:123,668,277, T>G on the plus strand (A>C on the coding strand, the complement: THOC2 is on the minus strand). VCF-style: chrX-123668277-T-G. GRCh37 (hg19) VCF-style: chrX-122802128-T-G.
Other names: c.899A>C, p.Lys300Thr (NM_001441235.1, NM_001441236.1); short protein forms K300T.
Identifiers: ClinVar variation 4281957 (VCV004281957.1).
Genomic context (GRCh38, chrX:123,668,277, plus strand): 5'-GAAGACAACACAACCATCGTAAGCTTTCTAACAATTTGCTTAGCTTCCGCAATTTCTCGT[T>G]TGTGTTCATCCATAATGCAATTATCAGCCGGAAGAAGCTAAAAATGGTACATTAAAATTT-3'
Protein context (NP_001075019.1, residues 290-310): PADNCIMDEH[Lys300Thr]REIAEAKQIV